The following is an entry in ClinVar:

ClinVar aggregate classification (germline): Likely pathogenic (3 of 4 stars; one submission).

Conditions:
Phenylketonuria (PKU). Also called: OLIGOPHRENIA PHENYLPYRUVICA; Phenylketonurias; Phenylketonuria (PKU); FOLLING DISEASE. Identifiers: Orphanet 716, MedGen C0031485, MONDO:0009861, OMIM 261600. Disease mechanism: loss of function.

Submission:

ClinGen PAH Variant Curation Expert Panel
Classification: Likely pathogenic for Phenylketonuria. Last evaluated: 2020-05-18. Review status: reviewed by expert panel. Criteria: ClinGen PAH ACMG Specifications v1. Collection method: curation. Allele origin: germline. Inheritance: Autosomal recessive inheritance.
Comment: The c.1306delT (p.S436Pfs*16) variant in PAH is a frameshift variant in exon 12 of 13 of a gene where LOF is a known mechanism of disease, leading to premature truncation (PVS1_Strong). Exon 13 encodes 15 amino acids + stop codon = 3.3% of PAH protein length. Along with Exon 12, Exon 13 forms the oligomerization domain (residues 411-452), which is responsible for the dimerization and tetramerization of the enzyme, important for regulation of PAH activity (e.g., positive cooperativity by the substrate, L-Phe, and decreasing PAH activity at low L-Phe concentration) (see PMID: 23457044; PMID: 22005392). Exon 13 contains the non-truncating Likely Pathogenic p.A447P (Likely Pathogenic by ClinGen PAH VCEP) and Pathogenic p.A447D variants (Likely Pathogenic by ClinGen PAH VCEP; Pathogenic in Clinvar (ID 102595; 4 submitters, 2 stars). Thus PVS1_Strong will be applied for variants resulting in deletion of this exon. The variant is absent from ethnically diverse control databases, including gnomAD/ExAC, 1000 Genomes, and ESP (PM2). It has been previously reported in one proband with classic PKU, as indexed by abnormal blood Phe levels and in whom BH4 deficiency was said to excluded (PP4_Moderate); it was found in presumed trans with the IVS10-11G>A variant (Pathogenic per ClinGen PAH VCEP) (PMID: 18299955) (0.5 points total; PM3_Supporting). Classification: Likely Pathogenic Supporting Criteria: PVS1_Strong, PM2; PP4_Moderate; PM3_Supporting

NM_000277.3(PAH):c.1306del (p.Ser436fs)

Gene: PAH (phenylalanine hydroxylase; minus strand). Cytogenetic location: 12q23.2.
Variant type: Deletion.
Coding change: c.1306del on transcript NM_000277.3 (MANE Select); coding-DNA position 1306, one base deleted (T; older notation c.1306delT).
Protein change: p.Ser436fs; shifts the reading frame from serine 436.
Molecular consequence: frameshift variant.
Genome position (GRCh38, 1-based): chr12:102,840,409, A deleted on the plus strand (T on the coding strand, the reverse complement: PAH is on the minus strand); the first of 2 consecutive A bases (chr12:102,840,409-102,840,410); deleting either gives the same sequence. VCF-style (leftmost placement, unchanged base first): chr12-102840408-GA-G. GRCh37 (hg19) VCF-style: chr12-103234186-GA-G.
Other names: c.1306del, p.Ser436fs (NM_001354304.2); short protein forms S436fs.
Identifiers: ClinVar variation 932273 (VCV000932273.1), dbSNP rs1874535712, ClinGen allele CA16020991.
Genomic context (GRCh38, chr12:102,840,408, plus strand): 5'-AGTCTTCGATTACTGAGAAACCGAGTGGCCTCGTAAGGTGTAAATTACTTACTGTTAATG[GA>G]ATCAGCCAAAATCTTAAGCTGCTGGGTATTGTCCAAGACCTCAATCCTTTGGGTGTATGG-3'